The following is an entry in ClinVar:

NM_014000.3(VCL):c.622+1G>A

Gene: VCL (vinculin; plus strand). Cytogenetic location: 10q22.2.
Variant type: single nucleotide variant.
Coding change: c.622+1G>A on transcript NM_014000.3 (MANE Select); the canonical splice donor site of the intron after coding-DNA position 622, G replaced by A.
Molecular consequence: splice donor variant.
Genome position (GRCh38, 1-based): chr10:74,072,853, G>A. VCF-style: chr10-74072853-G-A. GRCh37 (hg19) VCF-style: chr10-75832611-G-A.
Other names: c.622+1G>A (NM_003373.4).
Identifiers: ClinVar variation 3721369 (VCV003721369.2).

ClinVar aggregate classification (germline): Uncertain significance (1 of 4 stars; one submission).

Conditions:
Dilated cardiomyopathy 1W (CMD1W). Identifiers: Orphanet 154, MedGen C1969639, MONDO:0012667, OMIM 611407.

gnomAD v4.1: 1 of 1,613,896 alleles (0.000062%); highest among the groups gnomAD compares: Non-Finnish European, 0.000085%; no homozygotes.

Submission:

Labcorp Genetics (formerly Invitae), Labcorp
Classification: Uncertain significance for Dilated cardiomyopathy 1W. Last evaluated: 2025-12-08. Review status: criteria provided, single submitter. Criteria: Invitae Variant Classification Sherloc (09022015). Collection method: clinical testing. Allele origin: germline.
Comment: This sequence change affects a donor splice site in intron 5 of the VCL gene. It is expected to disrupt RNA splicing. Variants that disrupt the donor or acceptor splice site typically lead to a loss of protein function (PMID: 16199547), however the current clinical and genetic evidence is not sufficient to establish whether loss-of-function variants in VCL cause disease. This variant is not present in population databases (gnomAD no frequency). This variant has not been reported in the literature in individuals affected with VCL-related conditions. ClinVar contains an entry for this variant (Variation ID: 3721369). Algorithms developed to predict the effect of sequence changes on RNA splicing suggest that this variant may disrupt the consensus splice site. In summary, the available evidence is currently insufficient to determine the role of this variant in disease. Therefore, it has been classified as a Variant of Uncertain Significance.

Literature cited by the submitters: PubMed 16199547.